The following is an entry in ClinVar:

ClinVar aggregate classification (germline): Uncertain significance (1 of 4 stars; one submission).

gnomAD v4.1: 5 of 1,614,004 alleles (0.00031%); highest among the groups gnomAD compares: South Asian, 0.0011%; no homozygotes.

Submission:

Labcorp Genetics (formerly Invitae), Labcorp
Classification: Uncertain significance. Last evaluated: 2024-07-17. Review status: criteria provided, single submitter. Criteria: Invitae Variant Classification Sherloc (09022015). Collection method: clinical testing. Allele origin: germline.
Comment: This sequence change replaces cysteine, which is neutral and slightly polar, with tyrosine, which is neutral and polar, at codon 1586 of the DNAH9 protein (p.Cys1586Tyr). This variant is not present in population databases (gnomAD no frequency). This variant has not been reported in the literature in individuals affected with DNAH9-related conditions. Advanced modeling of protein sequence and biophysical properties (such as structural, functional, and spatial information, amino acid conservation, physicochemical variation, residue mobility, and thermodynamic stability) performed at Invitae indicates that this missense variant is expected to disrupt DNAH9 protein function with a positive predictive value of 80%. In summary, the available evidence is currently insufficient to determine the role of this variant in disease. Therefore, it has been classified as a Variant of Uncertain Significance.

NM_001372.4(DNAH9):c.4757G>A (p.Cys1586Tyr)

Gene: DNAH9 (dynein axonemal heavy chain 9; plus strand). Cytogenetic location: 17p12.
Variant type: single nucleotide variant.
Coding change: c.4757G>A on transcript NM_001372.4 (MANE Select); coding-DNA position 4757, G replaced by A.
Protein change: p.Cys1586Tyr; replaces cysteine 1586 with tyrosine.
Molecular consequence: missense variant.
Genome position (GRCh38, 1-based): chr17:11,694,332, G>A. VCF-style: chr17-11694332-G-A. GRCh37 (hg19) VCF-style: chr17-11597649-G-A.
Other names: short protein forms C1586Y.
Identifiers: ClinVar variation 3621205 (VCV003621205.2).